The following is an entry in ClinVar:

NM_000531.6(OTC):c.433C>A (p.Gln145Lys)

Gene: OTC (ornithine transcarbamylase; plus strand). Cytogenetic location: Xp11.4.
Variant type: single nucleotide variant.
Coding change: c.433C>A on transcript NM_000531.6 (MANE Select); coding-DNA position 433, C replaced by A.
Protein change: p.Gln145Lys; replaces glutamine 145 with lysine.
Molecular consequence: missense variant.
Genome position (GRCh38, 1-based): chrX:38,401,321, C>A. VCF-style: chrX-38401321-C-A. GRCh37 (hg19) VCF-style: chrX-38260574-C-A.
Other names: short protein forms Q145K.
Identifiers: ClinVar variation 618770 (VCV000618770.9), dbSNP rs753584565, ClinGen allele CA10385871.
Genomic context (GRCh38, chrX:38,401,321, plus strand): 5'-TTGGTTTGCCACAGTGTATTGTCTAGCATGGCAGATGCAGTATTGGCTCGAGTGTATAAA[C>A]AATCAGATTTGGACACCCTGGCTAAAGAAGCATCCATCCCAATTATCAATGGGCTGTCAG-3'
Protein context (NP_000522.3, residues 135-155): ADAVLARVYK[Gln145Lys]SDLDTLAKEA

ClinVar aggregate classification (germline): Uncertain significance. Review status: criteria provided, single submitter (1 of 4 stars). 2 submissions from 2 submitters: Uncertain significance (1). 1 of the submissions does not count toward it. Last evaluated 2018-01-26.

Conditions:
Ornithine carbamoyltransferase deficiency (OTCD). Also called: OTC DEFICIENCY; ORNITHINE TRANSCARBAMYLASE DEFICIENCY, HYPERAMMONEMIA DUE TO; ORNITHINE TRANSCARBAMYLASE DEFICIENCY; Ornithine Carbamoyltransferase Deficiency Disease. Identifiers: Orphanet 664, MedGen C0268542, MONDO:0010703, OMIM 311250.

Allele frequency attached by ClinVar (database versions not stated): ExAC 0.00005.

Submissions (2):

ARUP Laboratories, Molecular Genetics and Genomics, ARUP Laboratories
Classification: Uncertain significance. Last evaluated: 2018-01-26. Review status: criteria provided, single submitter. Criteria: ARUP Molecular Germline Variant Investigation Process. Collection method: clinical testing. Allele origin: germline.
Comment: The OTC c.433C>A; p.Gln145Lys variant (rs753584565) is not reported in the medical literature or gene specific variant databases. This variant is found in the general population at a low overall frequency of 0.002% (3/173462 alleles) in the Genomes Aggregation Database, but is considered a low confidence variant in the database. The glutamine at codon 145 is moderately conserved but computational algorithms (SIFT: Damaging; score=0, PolyPhen2: Benign; score=0.153, MutationTaster: disease causing p=0.1, Align GVGD: Class C0) do not agree as to the effect this variant may have on the protein. Due to the limited information regarding this variant, its clinical significance cannot be determined with certainty.

Natera, Inc.
Classification: Uncertain significance for Ornithine transcarbamylase deficiency. Last evaluated: 2019-11-11. Review status: no assertion criteria provided. Collection method: clinical testing. Allele origin: germline. Not counted in ClinVar's aggregate classification.